The following is an entry in ClinVar:

NM_004493.3(HSD17B10):c.731C>A (p.Pro244Gln)

Gene: HSD17B10 (hydroxysteroid 17-beta dehydrogenase 10; minus strand). Cytogenetic location: Xp11.22.
Variant type: single nucleotide variant.
Coding change: c.731C>A on transcript NM_004493.3 (MANE Select); coding-DNA position 731, C replaced by A.
Protein change: p.Pro244Gln; replaces proline 244 with glutamine.
Molecular consequence: missense variant.
Genome position (GRCh38, 1-based): chrX:53,431,459, G>T on the plus strand (C>A on the coding strand, the complement: HSD17B10 is on the minus strand). VCF-style: chrX-53431459-G-T. GRCh37 (hg19) VCF-style: chrX-53458407-G-T.
Other names: c.704C>A, p.Pro235Gln (NM_001037811.2); short protein forms P235Q, P244Q.
Identifiers: ClinVar variation 2431021 (VCV002431021.2), dbSNP rs2521092017, ClinGen allele CA413150210.

ClinVar aggregate classification (germline): Uncertain significance (1 of 4 stars; one submission).

Allele frequency attached by ClinVar (database versions not stated): gnomAD exomes below 0.00001.

Submission:

GeneDx
Classification: Uncertain significance. Last evaluated: 2026-07-01. Review status: criteria provided, single submitter. Criteria: GeneDx Variant Classification Process June 2021. Collection method: clinical testing. Allele origin: germline.
Comment: Not observed at significant frequency in large population cohorts (gnomAD); In silico analysis supports that this missense variant has a deleterious effect on protein structure/function; Has not been previously published as pathogenic or benign to our knowledge